The following is an entry in ClinVar:

NM_005733.3(KIF20A):c.689G>A (p.Gly230Glu)

Gene: KIF20A (kinesin family member 20A; plus strand). Cytogenetic location: 5q31.2.
Variant type: single nucleotide variant.
Coding change: c.689G>A on transcript NM_005733.3 (MANE Select); coding-DNA position 689, G replaced by A.
Protein change: p.Gly230Glu; replaces glycine 230 with glutamic acid.
Molecular consequence: missense variant.
Genome position (GRCh38, 1-based): chr5:138,182,760, G>A. VCF-style: chr5-138182760-G-A. GRCh37 (hg19) VCF-style: chr5-137518449-G-A.
Other names: short protein forms G230E.
Identifiers: ClinVar variation 2273896 (VCV002273896.5), dbSNP rs1754681023, ClinGen allele CA361113734.

ClinVar aggregate classification (germline): Uncertain significance. Review status: criteria provided, multiple submitters, no conflicts (2 of 4 stars). 2 submissions from 2 submitters: Uncertain significance (2). Last evaluated 2025-07-23.

Allele frequency attached by ClinVar (database versions not stated): TOPMed below 0.00001.
gnomAD v4.1: 2 of 1,613,724 alleles (0.00012%); highest among the groups gnomAD compares: Non-Finnish European, 0.00017%; no homozygotes.

Submissions (2):

Labcorp Genetics (formerly Invitae), Labcorp
Classification: Uncertain significance. Last evaluated: 2025-07-23. Review status: criteria provided, single submitter. Criteria: Invitae Variant Classification Sherloc (09022015). Collection method: clinical testing. Allele origin: germline.
Comment: This sequence change replaces glycine, which is neutral and non-polar, with glutamic acid, which is acidic and polar, at codon 230 of the KIF20A protein (p.Gly230Glu). This variant is not present in population databases (gnomAD no frequency). This variant has not been reported in the literature in individuals affected with KIF20A-related conditions. ClinVar contains an entry for this variant (Variation ID: 2273896). An algorithm developed to predict the effect of missense changes on protein structure and function (PolyPhen-2) suggests that this variant is likely to be disruptive. In summary, the available evidence is currently insufficient to determine the role of this variant in disease. Therefore, it has been classified as a Variant of Uncertain Significance.

Ambry Genetics
Classification: Uncertain significance. Last evaluated: 2022-01-26. Review status: criteria provided, single submitter. Criteria: Ambry Variant Classification Scheme 2023. Collection method: clinical testing. Allele origin: germline.